The following is an entry in ClinVar:

NM_000975.5(RPL11):c.501_502delinsCT (p.Gln167_Gln168delinsHisTer)

Gene: RPL11 (ribosomal protein L11; plus strand). Cytogenetic location: 1p36.11.
Variant type: Indel.
Coding change: c.501_502delinsCT on transcript NM_000975.5 (MANE Select); coding-DNA positions 501 to 502, GC replaced by CT.
Protein change: p.Gln167_Gln168delinsHisTer.
Molecular consequence: nonsense.
Genome position (GRCh38, 1-based): chr1:23,695,902-23,695,903, GC replaced by CT. VCF-style: chr1-23695902-GC-CT. GRCh37 (hg19) VCF-style: chr1-24022392-GC-CT.
Other names: c.498_499delinsCT, p.Gln166_Gln167delinsHisTer (NM_001199802.1).
Identifiers: ClinVar variation 3655059 (VCV003655059.2).

ClinVar aggregate classification (germline): Pathogenic (1 of 4 stars; one submission).

Conditions:
Diamond-Blackfan anemia. Also called: Blackfan Diamond syndrome; Aregenerative anemia chronic congenital; Red cell aplasia, pure hereditary; Congenital hypoplastic anemia; Aase syndrome. Identifiers: Orphanet 124, MedGen C1260899, MeSH D029503, MONDO:0015253, HP:0004810.

Submission:

Labcorp Genetics (formerly Invitae), Labcorp
Classification: Pathogenic for Diamond-Blackfan anemia. Last evaluated: 2024-08-13. Review status: criteria provided, single submitter. Criteria: Invitae Variant Classification Sherloc (09022015). Collection method: clinical testing. Allele origin: germline.
Comment: This sequence change creates a premature translational stop signal (p.Gln167_Gln168delinsHis*) in the RPL11 gene. While this is not anticipated to result in nonsense mediated decay, it is expected to disrupt the last 12 amino acid(s) of the RPL11 protein. Information on the frequency of this variant in the gnomAD database is not available, as this variant may be reported differently in the database. This premature translational stop signal has been observed in individual(s) with clinical features of Diamond-Blackfan anemia (Invitae). In at least one individual the variant was observed to be de novo. For these reasons, this variant has been classified as Pathogenic.